The following is an entry in ClinVar:

ClinVar aggregate classification (germline): Likely pathogenic (1 of 4 stars; one submission).

Conditions:
Ehlers-Danlos syndrome, kyphoscoliotic type 1 (EDSKSCL1). Also called: EHLERS-DANLOS SYNDROME, OCULAR-SCOLIOTIC TYPE; EHLERS-DANLOS SYNDROME, TYPE VIA; Ehlers-Danlos syndrome, hydroxylysine-deficient; PLOD1-Related Kyphoscoliotic Ehlers-Danlos Syndrome. Identifiers: Orphanet 1900, MedGen C0268342, MONDO:0016002, OMIM 225400. Disease mechanism: loss of function.

Submission:

Neuberg Centre For Genomic Medicine, NCGM
Classification: Likely pathogenic for Ehlers-Danlos syndrome, kyphoscoliotic type 1. Review status: criteria provided, single submitter. Criteria: ACMG Guidelines, 2015. Collection method: clinical testing. Allele origin: germline. Inheritance: Autosomal recessive inheritance. Affected: yes.
Comment: The observed frameshift c.282_283del(p.Val95HisfsTer8) variant in PLOD1 gene has not been reported previously as a pathogenic variant nor as a benign variant, to our knowledge. The p.Val95HisfsTer8 variant is absent in gnomAD Exomes database. This variant has not been submitted to the ClinVar database. This variant causes a frameshift starting with codon Valine 95, changes this amino acid to Histidine residue, and creates a premature Stop codon at position 8 of the new reading frame, denoted p.Val95HisfsTer8. This variant is predicted to cause loss of normal protein function through protein truncation. Loss of function variants have been previously reported to be disease causing. For these reasons, this variant has been classified as Likely Pathogenic.

NM_000302.4(PLOD1):c.282_283del (p.Val95fs)

Gene: PLOD1 (procollagen-lysine,2-oxoglutarate 5-dioxygenase 1; plus strand). Cytogenetic location: 1p36.22.
Variant type: Deletion.
Coding change: c.282_283del on transcript NM_000302.4 (MANE Select); coding-DNA positions 282 to 283, 2 bases deleted (GG; older notation c.282_283delGG).
Protein change: p.Val95fs; shifts the reading frame from valine 95.
Molecular consequence: frameshift variant.
Genome position (GRCh38, 1-based): chr1:11,949,886-11,949,887, GG deleted. VCF-style (leftmost placement, unchanged base first): chr1-11949885-TGG-T. GRCh37 (hg19) VCF-style: chr1-12009942-TGG-T.
Other names: c.423_424del, p.Val142fs (NM_001316320.2); short protein forms V142fs, V95fs.
Identifiers: ClinVar variation 3242113 (VCV003242113.1), dbSNP rs2522805333.